The following is an entry in ClinVar:

ClinVar aggregate classification (germline): Uncertain significance (1 of 4 stars; one submission).

Allele frequency attached by ClinVar (database versions not stated): gnomAD exomes below 0.00001; TOPMed below 0.00001; gnomAD 0.00001.

Submission:

Labcorp Genetics (formerly Invitae), Labcorp
Classification: Uncertain significance. Last evaluated: 2022-02-08. Review status: criteria provided, single submitter. Criteria: Invitae Variant Classification Sherloc (09022015). Collection method: clinical testing. Allele origin: germline.
Comment: Algorithms developed to predict the effect of missense changes on protein structure and function are either unavailable or do not agree on the potential impact of this missense change (SIFT: "Deleterious"; PolyPhen-2: "Probably Damaging"; Align-GVGD: "Class C15"). In summary, the available evidence is currently insufficient to determine the role of this variant in disease. Therefore, it has been classified as a Variant of Uncertain Significance. This variant has not been reported in the literature in individuals affected with ABL1-related conditions. This variant is present in population databases (no rsID available, gnomAD 0.01%). This sequence change replaces threonine, which is neutral and polar, with methionine, which is neutral and non-polar, at codon 259 of the ABL1 protein (p.Thr259Met).

NM_005157.6(ABL1):c.719C>T (p.Thr240Met)

Gene: ABL1 (ABL proto-oncogene 1, non-receptor tyrosine kinase; plus strand). Cytogenetic location: 9q34.12.
Variant type: single nucleotide variant.
Coding change: c.719C>T on transcript NM_005157.6 (MANE Select); coding-DNA position 719, C replaced by T.
Protein change: p.Thr240Met; replaces threonine 240 with methionine.
Molecular consequence: missense variant.
Genome position (GRCh38, 1-based): chr9:130,862,932, C>T. VCF-style: chr9-130862932-C-T. GRCh37 (hg19) VCF-style: chr9-133738319-C-T.
Other names: c.776C>T, p.Thr259Met (NM_007313.3); short protein forms T259M, T240M.
Identifiers: ClinVar variation 1477252 (VCV001477252.6), dbSNP rs1235886447, ClinGen allele CA375263051.